The following is an entry in ClinVar:

ClinVar aggregate classification (germline): Pathogenic (1 of 4 stars; one submission).

Conditions:
Early-infantile DEE. Also called: Early infantile epileptic encephalopathy with suppression bursts; Ohtahara syndrome; Early infantile epileptic encephalopathy. Identifiers: Orphanet 1934, MedGen C0393706, MONDO:0800491.

Submission:

Labcorp Genetics (formerly Invitae), Labcorp
Classification: Pathogenic for Early-infantile DEE. Last evaluated: 2022-02-04. Review status: criteria provided, single submitter. Criteria: Invitae Variant Classification Sherloc (09022015). Collection method: clinical testing. Allele origin: germline.
Comment: For these reasons, this variant has been classified as Pathogenic. This variant has not been reported in the literature in individuals affected with CACNA2D2-related conditions. This variant is not present in population databases (gnomAD no frequency). This sequence change creates a premature translational stop signal (p.Asp291Hisfs*32) in the CACNA2D2 gene. It is expected to result in an absent or disrupted protein product. Loss-of-function variants in CACNA2D2 are known to be pathogenic (PMID: 24358150).

Literature cited by the submitters: PubMed 24358150.

NM_006030.4(CACNA2D2):c.871_872del (p.Asp291fs)

Gene: CACNA2D2 (calcium voltage-gated channel auxiliary subunit alpha2delta 2; minus strand). Cytogenetic location: 3p21.31.
Variant type: Deletion.
Coding change: c.871_872del on transcript NM_006030.4 (MANE Select); coding-DNA positions 871 to 872, 2 bases deleted (GA; older notation c.871_872delGA).
Protein change: p.Asp291fs; shifts the reading frame from aspartic acid 291.
Molecular consequence: frameshift variant.
Genome position (GRCh38, 1-based): chr3:50,379,989-50,379,990, TC deleted on the plus strand (GA on the coding strand, the reverse complement: CACNA2D2 is on the minus strand); deleting any 2 consecutive bases within chr3:50,379,989-50,379,991 gives the same sequence; the c. name uses the placement nearest the transcript's 3' end. VCF-style (leftmost placement, unchanged base first): chr3-50379988-GTC-G. GRCh37 (hg19) VCF-style: chr3-50417419-GTC-G.
Other names: c.871_872del, p.Asp291fs (NM_001005505.3, NM_001174051.3); c.664_665del, p.Asp222fs (NM_001291101.1); short protein forms D222fs, D291fs.
Identifiers: ClinVar variation 1352276 (VCV001352276.7), dbSNP rs2106664189, ClinGen allele CA2573137143.